The following is an entry in ClinVar:

ClinVar aggregate classification (germline): Uncertain significance (1 of 4 stars; one submission).

Conditions:
Nephronophthisis 18 (NPHP18). Identifiers: Orphanet 655, MedGen C3890591, MONDO:0014374, OMIM 615862.

gnomAD v4.1: 2 of 1,612,468 alleles (0.00012%); no homozygotes.

Submission:

Labcorp Genetics (formerly Invitae), Labcorp
Classification: Uncertain significance for Nephronophthisis 18. Last evaluated: 2023-12-12. Review status: criteria provided, single submitter. Criteria: Invitae Variant Classification Sherloc (09022015). Collection method: clinical testing. Allele origin: germline.
Comment: This sequence change replaces isoleucine, which is neutral and non-polar, with methionine, which is neutral and non-polar, at codon 480 of the CEP83 protein (p.Ile480Met). This variant is not present in population databases (gnomAD no frequency). This variant has not been reported in the literature in individuals affected with CEP83-related conditions. ClinVar contains an entry for this variant (Variation ID: 1445634). Advanced modeling of protein sequence and biophysical properties (such as structural, functional, and spatial information, amino acid conservation, physicochemical variation, residue mobility, and thermodynamic stability) performed at Invitae indicates that this missense variant is not expected to disrupt CEP83 protein function with a negative predictive value of 80%. In summary, the available evidence is currently insufficient to determine the role of this variant in disease. Therefore, it has been classified as a Variant of Uncertain Significance.

NM_016122.3(CEP83):c.1440C>G (p.Ile480Met)

Gene: CEP83 (centrosomal protein 83; minus strand). Cytogenetic location: 12q22.
Variant type: single nucleotide variant.
Coding change: c.1440C>G on transcript NM_016122.3 (MANE Select); coding-DNA position 1440, C replaced by G.
Protein change: p.Ile480Met; replaces isoleucine 480 with methionine.
Molecular consequence: missense variant. On other transcripts: non-coding transcript variant (2).
Genome position (GRCh38, 1-based): chr12:94,333,619, G>C on the plus strand (C>G on the coding strand, the complement: CEP83 is on the minus strand). VCF-style: chr12-94333619-G-C. GRCh37 (hg19) VCF-style: chr12-94727395-G-C.
Other names: c.1440C>G, p.Ile480Met (NM_001042399.2, NM_001346457.2, NM_001368037.1 and 1 more transcripts); c.1128C>G, p.Ile376Met (NM_001346458.2, NM_001346459.2, NM_001368039.1 and 1 more transcripts); c.1215C>G, p.Ile405Met (NM_001368041.1); short protein forms I376M, I405M, I480M.
Identifiers: ClinVar variation 1445634 (VCV001445634.6), dbSNP rs2136515778, ClinGen allele CA386144498.